The following is an entry in ClinVar:

NM_000222.3(KIT):c.767A>G (p.Gln256Arg)

Gene: KIT (KIT proto-oncogene, receptor tyrosine kinase; plus strand). Cytogenetic location: 4q12.
Variant type: single nucleotide variant.
Coding change: c.767A>G on transcript NM_000222.3 (MANE Select); coding-DNA position 767, A replaced by G.
Protein change: p.Gln256Arg; replaces glutamine 256 with arginine.
Molecular consequence: missense variant.
Genome position (GRCh38, 1-based): chr4:54,703,734, A>G. VCF-style: chr4-54703734-A-G. GRCh37 (hg19) VCF-style: chr4-55569900-A-G.
Other names: c.767A>G, p.Gln256Arg (NM_001093772.2, NM_001385285.1, NM_001385286.1); c.770A>G, p.Gln257Arg (NM_001385284.1, NM_001385288.1, NM_001385290.1 and 1 more transcripts); short protein forms Q257R, Q256R.
Identifiers: ClinVar variation 1760097 (VCV001760097.8), dbSNP rs1720599914, ClinGen allele CA356899261.

ClinVar aggregate classification (germline): Uncertain significance. Review status: criteria provided, multiple submitters, no conflicts (2 of 4 stars). 3 submissions from 3 submitters: Uncertain significance (3). Last evaluated 2024-04-24.

Conditions:
Germ cell tumor of testis (TGCT). Also called: GERM CELL TUMOR, SOMATIC; Testicular germ cell tumor. Identifiers: Orphanet 363504, MedGen C1336708, MONDO:0010108, OMIM 273300.
Cutaneous mastocytosis. Also called: MASTOCYTOSIS, MACULOPAPULAR CUTANEOUS. Identifiers: Orphanet 66646, MedGen C1136033, MONDO:0019023, OMIM 154800, HP:0200151.
Gastrointestinal stromal tumor. Also called: Gastrointestinal stromal tumor, somatic; Gastrointestinal stroma tumor. Identifiers: Orphanet 44890, MedGen C0238198, MeSH D046152, MONDO:0011719, OMIM 606764, HP:0100723.
Piebaldism. Also called: Piebald skin depigmentation. Identifiers: Orphanet 2884, MedGen C0080024, MONDO:0008244, OMIM 172800, HP:0007544.
Acute myeloid leukemia (AML). Also called: Acute myeloid leukemia, adult; AML adult; Acute non-lymphocytic leukemia; Acute granulocytic leukemia; Leukemia, acute myeloid, somatic; Leukemia, acute myelogenous, somatic. Identifiers: Orphanet 519, MedGen C0023467, MeSH D015470, MONDO:0018874, OMIM 601626, HP:0004808. Disease mechanism: Constitutively activated FLT3.
Hereditary cancer-predisposing syndrome. Also called: Neoplastic Syndromes, Hereditary; Tumor predisposition; Hereditary Cancer Syndrome; Hereditary neoplastic syndrome. Identifiers: Orphanet 140162, MedGen C0027672, MeSH D009386, MONDO:0015356.

gnomAD v4.1: 3 of 1,613,576 alleles (0.00019%); highest among the groups gnomAD compares: Non-Finnish European, 0.00025%; no homozygotes.

Submissions (3):

Fulgent Genetics
Classification: Uncertain significance for Cutaneous mastocytosis; Piebaldism; Germ cell tumor of testis; Acute myeloid leukemia; Gastrointestinal stromal tumor. Last evaluated: 2024-04-24. Review status: criteria provided, single submitter. Criteria: ACMG Guidelines, 2015. Collection method: clinical testing. Allele origin: germline.

Ambry Genetics
Classification: Uncertain significance for Hereditary cancer-predisposing syndrome. Last evaluated: 2022-10-08. Review status: criteria provided, single submitter. Criteria: Ambry Variant Classification Scheme 2023. Collection method: clinical testing. Allele origin: germline.
Comment: The p.Q256R variant (also known as c.767A>G), located in coding exon 5 of the KIT gene, results from an A to G substitution at nucleotide position 767. The glutamine at codon 256 is replaced by arginine, an amino acid with highly similar properties. This amino acid position is conserved. In addition, this alteration is predicted to be tolerated by in silico analysis. Since supporting evidence is limited at this time, the clinical significance of this alteration remains unclear.

Labcorp Genetics (formerly Invitae), Labcorp
Classification: Uncertain significance for Gastrointestinal stromal tumor. Last evaluated: 2022-04-08. Review status: criteria provided, single submitter. Criteria: Invitae Variant Classification Sherloc (09022015). Collection method: clinical testing. Allele origin: germline.
Comment: This variant has not been reported in the literature in individuals affected with KIT-related conditions. This sequence change replaces glutamine, which is neutral and polar, with arginine, which is basic and polar, at codon 256 of the KIT protein (p.Gln256Arg). This variant is not present in population databases (gnomAD no frequency). Algorithms developed to predict the effect of missense changes on protein structure and function (SIFT, PolyPhen-2, Align-GVGD) all suggest that this variant is likely to be tolerated. In summary, the available evidence is currently insufficient to determine the role of this variant in disease. Therefore, it has been classified as a Variant of Uncertain Significance.